The following is an entry in ClinVar:

NM_006073.4(TRDN):c.147C>A (p.Ala49=)

Gene: TRDN (triadin; minus strand). Cytogenetic location: 6q22.31.
Variant type: single nucleotide variant.
Coding change: c.147C>A on transcript NM_006073.4 (MANE Select); coding-DNA position 147, C replaced by A.
Protein change: p.Ala49=; no amino-acid change (alanine 49 retained).
Molecular consequence: synonymous variant.
Genome position (GRCh38, 1-based): chr6:123,571,008, G>T on the plus strand (C>A on the coding strand, the complement: TRDN is on the minus strand). VCF-style: chr6-123571008-G-T. GRCh37 (hg19) VCF-style: chr6-123892153-G-T.
Other names: c.147C>A, p.Ala49= (NM_001251987.2, NM_001256020.2, NM_001256021.2 and 1 more transcripts).
Identifiers: ClinVar variation 518051 (VCV000518051.5), dbSNP rs1554258804, ClinGen allele CA452064168.

ClinVar aggregate classification (germline): Likely benign. Review status: criteria provided, multiple submitters, no conflicts (2 of 4 stars). 2 submissions from 2 submitters: Likely benign (2). Last evaluated 2024-09-11.

Conditions:
Catecholaminergic polymorphic ventricular tachycardia 1. Also called: RYR2-Related Catecholaminergic Polymorphic Ventricular Tachycardia; VENTRICULAR TACHYCARDIA, CATECHOLAMINERGIC POLYMORPHIC, 1, WITH OR WITHOUT ATRIAL DYSFUNCTION AND/OR DILATED CARDIOMYOPATHY; VENTRICULAR TACHYCARDIA, STRESS-INDUCED POLYMORPHIC 1. Identifiers: Orphanet 3286, MedGen C1631597, MONDO:0011484, OMIM 604772.

Allele frequency attached by ClinVar (database versions not stated): gnomAD exomes below 0.00001.
gnomAD v4.1: 1 of 1,613,990 alleles (0.000062%); highest among the groups gnomAD compares: Admixed American, 0.0017%; no homozygotes.

Submissions (2):

Labcorp Genetics (formerly Invitae), Labcorp
Classification: Likely benign for Catecholaminergic polymorphic ventricular tachycardia 1. Last evaluated: 2024-09-11. Review status: criteria provided, single submitter. Criteria: Invitae Variant Classification Sherloc (09022015). Collection method: clinical testing. Allele origin: germline.

GeneDx
Classification: Likely benign. Last evaluated: 2017-06-19. Review status: criteria provided, single submitter. Criteria: GeneDx Variant Classification (06012015). Collection method: clinical testing. Allele origin: germline. Affected: yes.
Comment: This variant is considered likely benign or benign based on one or more of the following criteria: it is a conservative change, it occurs at a poorly conserved position in the protein, it is predicted to be benign by multiple in silico algorithms, and/or has population frequency not consistent with disease.